The following is an entry in ClinVar:

ClinVar aggregate classification (germline): Uncertain significance (1 of 4 stars; one submission).

gnomAD v4.1: 5 of 1,614,038 alleles (0.00031%); highest among the groups gnomAD compares: African/African-American, 0.0067%; no homozygotes.

Submission:

Women's Health and Genetics/Laboratory Corporation of America, LabCorp
Classification: Uncertain significance. Last evaluated: 2024-06-24. Review status: criteria provided, single submitter. Criteria: LabCorp Variant Classification Summary - May 2015. Collection method: clinical testing. Allele origin: germline.
Comment: Variant summary: MAP1B c.5054C>A (p.Thr1685Asn) results in a non-conservative amino acid change in the encoded protein sequence. Three of five in-silico tools predict a damaging effect of the variant on protein function. The variant allele was found at a frequency of 1.6e-05 in 251338 control chromosomes. The available data on variant occurrences in the general population are insufficient to allow any conclusion about variant significance. To our knowledge, no occurrence of c.5054C>A in individuals affected with Periventricular Nodular Heterotopia 9 and no experimental evidence demonstrating its impact on protein function have been reported. No submitters have cited clinical-significance assessments for this variant to ClinVar. Based on the evidence outlined above, the variant was classified as uncertain significance.

NM_005909.5(MAP1B):c.5054C>A (p.Thr1685Asn)

Gene: MAP1B (microtubule associated protein 1B; plus strand). Cytogenetic location: 5q13.2.
Variant type: single nucleotide variant.
Coding change: c.5054C>A on transcript NM_005909.5 (MANE Select); coding-DNA position 5054, C replaced by A.
Protein change: p.Thr1685Asn; replaces threonine 1685 with asparagine.
Molecular consequence: missense variant.
Genome position (GRCh38, 1-based): chr5:72,198,409, C>A. VCF-style: chr5-72198409-C-A. GRCh37 (hg19) VCF-style: chr5-71494236-C-A.
Other names: c.4676C>A, p.Thr1559Asn (NM_001324255.2); short protein forms T1559N, T1685N.
Identifiers: ClinVar variation 3339835 (VCV003339835.1).